The following is an entry in ClinVar:

ClinVar aggregate classification (germline): Uncertain significance (1 of 4 stars; one submission).

Submission:

GeneDx
Classification: Uncertain significance. Last evaluated: 2022-05-24. Review status: criteria provided, single submitter. Criteria: GeneDx Variant Classification Process June 2021. Collection method: clinical testing. Allele origin: germline. Affected: yes.
Comment: Not observed at significant frequency in large population cohorts (gnomAD); In silico analysis supports that this missense variant has a deleterious effect on protein structure/function; In silico analysis supports a deleterious effect on splicing; Has not been previously published as pathogenic or benign to our knowledge

NM_001134831.2(AHI1):c.2591A>T (p.Asp864Val)

Gene: AHI1 (Abelson helper integration site 1; minus strand). Cytogenetic location: 6q23.3.
Variant type: single nucleotide variant.
Coding change: c.2591A>T on transcript NM_001134831.2 (MANE Select); coding-DNA position 2591, A replaced by T.
Protein change: p.Asp864Val; replaces aspartic acid 864 with valine.
Molecular consequence: missense variant.
Genome position (GRCh38, 1-based): chr6:135,428,661, T>A on the plus strand (A>T on the coding strand, the complement: AHI1 is on the minus strand). VCF-style: chr6-135428661-T-A. GRCh37 (hg19) VCF-style: chr6-135749799-T-A.
Other names: c.2591A>T, p.Asp864Val (NM_001134830.2, NM_001134832.2, NM_001350503.2 and 2 more transcripts); short protein forms D864V.
Identifiers: ClinVar variation 1800994 (VCV001800994.1), dbSNP rs2484530082, ClinGen allele CA365742113.